The following is an entry in ClinVar:

ClinVar aggregate classification (germline): Uncertain significance (1 of 4 stars; one submission).

Allele frequency attached by ClinVar (database versions not stated): TOPMed below 0.00001; ExAC 0.00001; gnomAD 0.00001; gnomAD exomes below 0.00001.
gnomAD v4.1: 5 of 1,613,006 alleles (0.00031%); highest among the groups gnomAD compares: Admixed American, 0.0017%; no homozygotes.

Submission:

Labcorp Genetics (formerly Invitae), Labcorp
Classification: Uncertain significance. Last evaluated: 2025-10-18. Review status: criteria provided, single submitter. Criteria: Invitae Variant Classification Sherloc (09022015). Collection method: clinical testing. Allele origin: germline.
Comment: This sequence change replaces glycine, which is neutral and non-polar, with aspartic acid, which is acidic and polar, at codon 53 of the COL9A3 protein (p.Gly53Asp). This variant is present in population databases (rs764051012, gnomAD 0.003%). This variant has not been reported in the literature in individuals affected with COL9A3-related conditions. ClinVar contains an entry for this variant (Variation ID: 2983451). Invitae Evidence Modeling of protein sequence and biophysical properties (such as structural, functional, and spatial information, amino acid conservation, physicochemical variation, residue mobility, and thermodynamic stability) indicates that this missense variant is expected to disrupt COL9A3 protein function with a positive predictive value of 95%. In summary, the available evidence is currently insufficient to determine the role of this variant in disease. Therefore, it has been classified as a Variant of Uncertain Significance.

NM_001853.4(COL9A3):c.158G>A (p.Gly53Asp)

Gene: COL9A3 (collagen type IX alpha 3 chain; plus strand). Cytogenetic location: 20q13.33.
Variant type: single nucleotide variant.
Coding change: c.158G>A on transcript NM_001853.4 (MANE Select); coding-DNA position 158, G replaced by A.
Protein change: p.Gly53Asp; replaces glycine 53 with aspartic acid.
Molecular consequence: missense variant.
Genome position (GRCh38, 1-based): chr20:62,818,528, G>A. VCF-style: chr20-62818528-G-A. GRCh37 (hg19) VCF-style: chr20-61449880-G-A.
Other names: short protein forms G53D.
Identifiers: ClinVar variation 2983451 (VCV002983451.3), dbSNP rs764051012, ClinGen allele CA9949036.